The following is an entry in ClinVar:

ClinVar aggregate classification (germline): Uncertain significance (1 of 4 stars; one submission).

Conditions:
Cardiovascular phenotype. Identifiers: MedGen CN230736.

Submission:

Ambry Genetics
Classification: Uncertain significance for Cardiovascular phenotype. Last evaluated: 2022-08-30. Review status: criteria provided, single submitter. Criteria: Ambry Variant Classification Scheme 2023. Collection method: clinical testing. Allele origin: germline.
Comment: The p.N140D variant (also known as c.418A>G), located in coding exon 3 of the RAF1 gene, results from an A to G substitution at nucleotide position 418. The asparagine at codon 140 is replaced by aspartic acid, an amino acid with highly similar properties. This amino acid position is highly conserved in available vertebrate species. In addition, the in silico prediction for this alteration is inconclusive. Since supporting evidence is limited at this time, the clinical significance of this alteration remains unclear.

NM_002880.4(RAF1):c.418A>G (p.Asn140Asp)

Gene: RAF1 (Raf-1 proto-oncogene, serine/threonine kinase; minus strand). Cytogenetic location: 3p25.2.
Variant type: single nucleotide variant.
Coding change: c.418A>G on transcript NM_002880.4 (MANE Select); coding-DNA position 418, A replaced by G.
Protein change: p.Asn140Asp; replaces asparagine 140 with aspartic acid.
Molecular consequence: missense variant. On other transcripts: non-coding transcript variant (3).
Genome position (GRCh38, 1-based): chr3:12,609,238, T>C on the plus strand (A>G on the coding strand, the complement: RAF1 is on the minus strand). VCF-style: chr3-12609238-T-C. GRCh37 (hg19) VCF-style: chr3-12650737-T-C.
Other names: c.418A>G, p.Asn140Asp (NM_001354689.3, NM_001354690.3, NM_001354693.3); c.175A>G, p.Asn59Asp (NM_001354691.3, NM_001354692.3, NM_001354694.3 and 1 more transcripts); short protein forms N140D, N59D.
Identifiers: ClinVar variation 1738552 (VCV001738552.2), dbSNP rs730881009, ClinGen allele CA351518072.